The following is an entry in ClinVar:

ClinVar aggregate classification (germline): Uncertain significance. Review status: criteria provided, multiple submitters, no conflicts (2 of 4 stars). 3 submissions from 3 submitters: Uncertain significance (3). Last evaluated 2025-08-14.

Conditions:
Inborn genetic diseases. Identifiers: MedGen C0950123, MeSH D030342.

Allele frequency attached by ClinVar (database versions not stated): ExAC 0.00003; gnomAD exomes 0.00003; 1000 Genomes Project 30x 0.00031; 1000 Genomes Project 0.00040.

Submissions (3):

Ambry Genetics
Classification: Uncertain significance for Inborn genetic diseases. Last evaluated: 2025-08-14. Review status: criteria provided, single submitter. Criteria: Ambry Variant Classification Scheme 2023. Collection method: clinical testing. Allele origin: germline.

Labcorp Genetics (formerly Invitae), Labcorp
Classification: Uncertain significance. Last evaluated: 2025-07-28. Review status: criteria provided, single submitter. Criteria: Invitae Variant Classification Sherloc (09022015). Collection method: clinical testing. Allele origin: germline.
Comment: This sequence change replaces arginine, which is basic and polar, with glutamine, which is neutral and polar, at codon 286 of the KIAA1549 protein (p.Arg286Gln). This variant is present in population databases (rs577418835, gnomAD 0.01%). This variant has not been reported in the literature in individuals affected with KIAA1549-related conditions. ClinVar contains an entry for this variant (Variation ID: 1471373). An algorithm developed to predict the effect of missense changes on protein structure and function outputs the following: PolyPhen-2: "Benign". The glutamine amino acid residue is found in multiple mammalian species, which suggests that this missense change does not adversely affect protein function. In summary, the available evidence is currently insufficient to determine the role of this variant in disease. Therefore, it has been classified as a Variant of Uncertain Significance.

Blueprint Genetics
Classification: Uncertain significance. Last evaluated: 2024-07-17. Review status: criteria provided, single submitter. Criteria: ACMG Guidelines, 2015. Collection method: clinical testing. Allele origin: germline.

NM_001164665.2(KIAA1549):c.857G>A (p.Arg286Gln)

Gene: KIAA1549 (KIAA1549; minus strand). Cytogenetic location: 7q34.
Variant type: single nucleotide variant.
Coding change: c.857G>A on transcript NM_001164665.2 (MANE Select); coding-DNA position 857, G replaced by A.
Protein change: p.Arg286Gln; replaces arginine 286 with glutamine.
Molecular consequence: missense variant.
Genome position (GRCh38, 1-based): chr7:138,918,769, C>T on the plus strand (G>A on the coding strand, the complement: KIAA1549 is on the minus strand). VCF-style: chr7-138918769-C-T. GRCh37 (hg19) VCF-style: chr7-138603515-C-T.
Other names: c.857G>A (NM_001164665.1); c.857G>A, p.Arg286Gln (NM_020910.3); short protein forms R286Q.
Identifiers: ClinVar variation 1471373 (VCV001471373.6), dbSNP rs577418835, ClinGen allele CA4506850.